The following is an entry in ClinVar:

NM_032816.5(CEP89):c.190C>T (p.Arg64Trp)

Gene: CEP89 (centrosomal protein 89; minus strand). Cytogenetic location: 19q13.11.
Variant type: single nucleotide variant.
Coding change: c.190C>T on transcript NM_032816.5 (MANE Select); coding-DNA position 190, C replaced by T.
Protein change: p.Arg64Trp; replaces arginine 64 with tryptophan.
Molecular consequence: missense variant.
Genome position (GRCh38, 1-based): chr19:32,960,015, G>A on the plus strand (C>T on the coding strand, the complement: CEP89 is on the minus strand). VCF-style: chr19-32960015-G-A. GRCh37 (hg19) VCF-style: chr19-33450921-G-A.
Other names: short protein forms R64W.
Identifiers: ClinVar variation 2072359 (VCV002072359.4), dbSNP rs750766209, ClinGen allele CA9359876.

ClinVar aggregate classification (germline): Uncertain significance (1 of 4 stars; one submission).

Allele frequency attached by ClinVar (database versions not stated): gnomAD 0.00001; gnomAD exomes 0.00005; ExAC 0.00007.
gnomAD v4.1: 72 of 1,614,078 alleles (0.0045%); highest among the groups gnomAD compares: Non-Finnish European, 0.0053%; no homozygotes.

Submission:

Labcorp Genetics (formerly Invitae), Labcorp
Classification: Uncertain significance. Last evaluated: 2025-05-27. Review status: criteria provided, single submitter. Criteria: Invitae Variant Classification Sherloc (09022015). Collection method: clinical testing. Allele origin: germline.
Comment: This sequence change replaces arginine, which is basic and polar, with tryptophan, which is neutral and slightly polar, at codon 64 of the CEP89 protein (p.Arg64Trp). This variant is present in population databases (rs750766209, gnomAD 0.007%). This variant has not been reported in the literature in individuals affected with CEP89-related conditions. ClinVar contains an entry for this variant (Variation ID: 2072359). An algorithm developed to predict the effect of missense changes on protein structure and function (PolyPhen-2) suggests that this variant is likely to be tolerated. In summary, the available evidence is currently insufficient to determine the role of this variant in disease. Therefore, it has been classified as a Variant of Uncertain Significance.